The following is an entry in ClinVar:

NM_014915.3(ANKRD26):c.4812G>C (p.Arg1604Ser)

Gene: ANKRD26 (ankyrin repeat domain containing 26; minus strand). Cytogenetic location: 10p12.1.
Variant type: single nucleotide variant.
Coding change: c.4812G>C on transcript NM_014915.3 (MANE Select); coding-DNA position 4812, G replaced by C.
Protein change: p.Arg1604Ser; replaces arginine 1604 with serine.
Molecular consequence: missense variant.
Genome position (GRCh38, 1-based): chr10:27,013,023, C>G on the plus strand (G>C on the coding strand, the complement: ANKRD26 is on the minus strand). VCF-style: chr10-27013023-C-G. GRCh37 (hg19) VCF-style: chr10-27301952-C-G.
Other names: c.4809G>C, p.Arg1603Ser (NM_001256053.2); short protein forms R1604S, R1603S.
Identifiers: ClinVar variation 4104216 (VCV004104216.1).

ClinVar aggregate classification (germline): Uncertain significance (1 of 4 stars; one submission).

Conditions:
Inborn genetic diseases. Identifiers: MedGen C0950123, MeSH D030342.

Submission:

Ambry Genetics
Classification: Uncertain significance for Inborn genetic diseases. Last evaluated: 2025-08-14. Review status: criteria provided, single submitter. Criteria: Ambry Variant Classification Scheme 2023. Collection method: clinical testing. Allele origin: germline.
Comment: The p.R1604S variant (also known as c.4812G>C), located in coding exon 32 of the ANKRD26 gene, results from a G to C substitution at nucleotide position 4812. The arginine at codon 1604 is replaced by serine, an amino acid with dissimilar properties. This amino acid position is conserved. In addition, this alteration is predicted to be tolerated by in silico analysis. Based on the available evidence, the clinical significance of this variant remains unclear.